The following is an entry in ClinVar:

NM_001079843.3(CASZ1):c.1839G>T (p.Arg613Ser)

Gene: CASZ1 (castor zinc finger 1; minus strand). Cytogenetic location: 1p36.22.
Variant type: single nucleotide variant.
Coding change: c.1839G>T on transcript NM_001079843.3 (MANE Select); coding-DNA position 1839, G replaced by T.
Protein change: p.Arg613Ser; replaces arginine 613 with serine.
Molecular consequence: missense variant.
Genome position (GRCh38, 1-based): chr1:10,654,218, C>A on the plus strand (G>T on the coding strand, the complement: CASZ1 is on the minus strand). VCF-style: chr1-10654218-C-A. GRCh37 (hg19) VCF-style: chr1-10714275-C-A.
Other names: c.1839G>T, p.Arg613Ser (NM_017766.5); short protein forms R613S.
Identifiers: ClinVar variation 3343110 (VCV003343110.1).

ClinVar aggregate classification (germline): Uncertain significance (1 of 4 stars; one submission).

Submission:

GeneDx
Classification: Uncertain significance. Last evaluated: 2023-04-13. Review status: criteria provided, single submitter. Criteria: GeneDx Variant Classification Process June 2021. Collection method: clinical testing. Allele origin: germline. Affected: yes.
Comment: Not observed at significant frequency in large population cohorts (gnomAD); In silico analysis supports that this missense variant has a deleterious effect on protein structure/function; Has not been previously published as pathogenic or benign to our knowledge; Variants in candidate genes are classified as variants of uncertain significance in accordance with ACMG guidelines (Richards et al., 2015)